The following is an entry in ClinVar:

NM_000245.4(MET):c.4A>G (p.Lys2Glu)

Gene: MET (MET proto-oncogene, receptor tyrosine kinase; plus strand). Cytogenetic location: 7q31.2.
Variant type: single nucleotide variant.
Coding change: c.4A>G on transcript NM_000245.4 (MANE Select); coding-DNA position 4, A replaced by G.
Protein change: p.Lys2Glu; replaces lysine 2 with glutamic acid.
Molecular consequence: missense variant. On other transcripts: intron variant (1).
Genome position (GRCh38, 1-based): chr7:116,699,088, A>G. VCF-style: chr7-116699088-A-G. GRCh37 (hg19) VCF-style: chr7-116339142-A-G.
Other names: c.4A>G, p.Lys2Glu (NM_001127500.3, NM_001324401.3); c.-91+26511A>G (NM_001324402.2); short protein forms K2E.
Identifiers: ClinVar variation 3395197 (VCV003395197.1).

ClinVar aggregate classification (germline): Uncertain significance (1 of 4 stars; one submission).

Conditions:
Hereditary cancer-predisposing syndrome. Also called: Hereditary Cancer Syndrome; Tumor predisposition; Hereditary neoplastic syndrome; Neoplastic Syndromes, Hereditary. Identifiers: Orphanet 140162, MedGen C0027672, MeSH D009386, MONDO:0015356.

Submission:

Ambry Genetics
Classification: Uncertain significance for Hereditary cancer-predisposing syndrome. Last evaluated: 2024-11-13. Review status: criteria provided, single submitter. Criteria: Ambry Variant Classification Scheme 2023. Collection method: clinical testing. Allele origin: germline.
Comment: The p.K2E variant (also known as c.4A>G), located in coding exon 1 of the MET gene, results from an A to G substitution at nucleotide position 4. The lysine at codon 2 is replaced by glutamic acid, an amino acid with similar properties. This amino acid position is highly conserved in available vertebrate species. In addition, the in silico prediction for this alteration is inconclusive. Based on the available evidence, the clinical significance of this variant remains unclear.